The following is an entry in ClinVar:

ClinVar aggregate classification (germline): Conflicting classifications of pathogenicity. Review status: criteria provided, conflicting classifications (1 of 4 stars). 4 submissions from 4 submitters: Uncertain significance (2); Likely benign (2). Last evaluated 2026-02-01.

Conditions:
Emery-Dreifuss muscular dystrophy 5, autosomal dominant (EDMD5). Also called: EMERY-DREIFUSS MUSCULAR DYSTROPHY 5. Identifiers: Orphanet 261, MedGen C2751805, MONDO:0013072, OMIM 612999.

Allele frequency attached by ClinVar (database versions not stated): gnomAD 0.00010; ExAC 0.00011; TOPMed 0.00012; ESP Exome Variant Server 0.00023.
gnomAD v4.1: 257 of 1,614,050 alleles (0.016%); highest among the groups gnomAD compares: Non-Finnish European, 0.02%; no homozygotes.

Submissions (4):

CeGaT Center for Human Genetics Tuebingen
Classification: Likely benign. Last evaluated: 2026-02-01. Review status: criteria provided, single submitter. Criteria: CeGaT Center For Human Genetics Tuebingen Variant Classification Criteria Version 2. Collection method: clinical testing. Allele origin: germline. Affected: yes. Observed: 2 variant alleles.
Comment: SYNE2: BP4, BS2

Labcorp Genetics (formerly Invitae), Labcorp
Classification: Uncertain significance for Emery-Dreifuss muscular dystrophy 5, autosomal dominant. Last evaluated: 2025-10-02. Review status: criteria provided, single submitter. Criteria: Invitae Variant Classification Sherloc (09022015). Collection method: clinical testing. Allele origin: germline.
Comment: This sequence change replaces asparagine, which is neutral and polar, with lysine, which is basic and polar, at codon 6000 of the SYNE2 protein (p.Asn6000Lys). This variant is present in population databases (rs150002885, gnomAD 0.02%). This variant has not been reported in the literature in individuals affected with SYNE2-related conditions. ClinVar contains an entry for this variant (Variation ID: 568138). An algorithm developed to predict the effect of missense changes on protein structure and function (PolyPhen-2) suggests that this variant is likely to be disruptive. In summary, the available evidence is currently insufficient to determine the role of this variant in disease. Therefore, it has been classified as a Variant of Uncertain Significance.

Ambry Genetics
Classification: Uncertain significance. Last evaluated: 2025-02-08. Review status: criteria provided, single submitter. Criteria: Ambry Variant Classification Scheme 2023. Collection method: clinical testing. Allele origin: germline.

Blueprint Genetics
Classification: Likely benign. Last evaluated: 2024-09-06. Review status: criteria provided, single submitter. Criteria: ACMG Guidelines, 2015. Collection method: clinical testing. Allele origin: germline.

NM_182914.3(SYNE2):c.18000C>A (p.Asn6000Lys)

Gene: SYNE2 (spectrin repeat containing nuclear envelope protein 2; plus strand). Cytogenetic location: 14q23.2.
Variant type: single nucleotide variant.
Coding change: c.18000C>A on transcript NM_182914.3 (MANE Select); coding-DNA position 18000, C replaced by A.
Protein change: p.Asn6000Lys; replaces asparagine 6000 with lysine.
Molecular consequence: missense variant.
Genome position (GRCh38, 1-based): chr14:64,190,199, C>A. VCF-style: chr14-64190199-C-A. GRCh37 (hg19) VCF-style: chr14-64656917-C-A.
Other names: c.18000C>A, p.Asn6000Lys (NM_015180.6); short protein forms N6000K.
Identifiers: ClinVar variation 568138 (VCV000568138.17), dbSNP rs150002885, ClinGen allele CA7223890.
Genomic context (GRCh38, chr14:64,190,199, plus strand): 5'-GATCAAGGCCAGCAACAAATCAAGAGCAGCTGAGATCGATGACAAGCTCAACAAAATTAA[C>A]GATCGTTGGCAACATCTTTTTGATGTCATCGGATCAAGGTAAGAAATGGGCTAAAAATGA-3'
Protein context (NP_878918.2, residues 5990-6010): AEIDDKLNKI[Asn6000Lys]DRWQHLFDVI